The following is an entry in ClinVar:

NM_003285.3(TNR):c.2638G>A (p.Val880Met)

Gene: TNR (tenascin R; minus strand). Cytogenetic location: 1q25.1.
Variant type: single nucleotide variant.
Coding change: c.2638G>A on transcript NM_003285.3 (MANE Select); coding-DNA position 2638, G replaced by A.
Protein change: p.Val880Met; replaces valine 880 with methionine.
Molecular consequence: missense variant.
Genome position (GRCh38, 1-based): chr1:175,363,777, C>T on the plus strand (G>A on the coding strand, the complement: TNR is on the minus strand). VCF-style: chr1-175363777-C-T. GRCh37 (hg19) VCF-style: chr1-175332913-C-T.
Other names: c.1639G>A, p.Val547Met (NM_001328635.2); short protein forms V547M, V880M.
Identifiers: ClinVar variation 4084161 (VCV004084161.8).

ClinVar aggregate classification (germline): Uncertain significance (1 of 4 stars; one submission).

gnomAD v4.1: 21 of 1,613,842 alleles (0.0013%); highest among the groups gnomAD compares: Middle Eastern, 0.016%; no homozygotes.

Submission:

CeGaT Center for Human Genetics Tuebingen
Classification: Uncertain significance. Last evaluated: 2025-06-01. Review status: criteria provided, single submitter. Criteria: CeGaT Center For Human Genetics Tuebingen Variant Classification Criteria Version 2. Collection method: clinical testing. Allele origin: germline. Affected: yes. Observed: 1 variant allele.
Comment: TNR: PM2, BP4